The following is an entry in ClinVar:

ClinVar aggregate classification (germline): Uncertain significance (1 of 4 stars; one submission).

Submission:

Labcorp Genetics (formerly Invitae), Labcorp
Classification: Uncertain significance. Last evaluated: 2023-10-03. Review status: criteria provided, single submitter. Criteria: Invitae Variant Classification Sherloc (09022015). Collection method: clinical testing. Allele origin: unknown.
Comment: A copy number gain of the genomic region encompassing the full coding sequence of the TMEM240 gene has been identified. The boundaries of this event are unknown as they extend beyond the assayed region for this gene and therefore may encompass additional genes. As the precise location of this event is unknown, it may be in tandem or it may be located elsewhere in the genome. This variant has not been reported in the literature in individuals affected with TMEM240-related conditions. In summary, the available evidence is currently insufficient to determine the role of this variant in disease. Therefore, it has been classified as a Variant of Uncertain Significance.

NC_000001.10:g.(?_1470739)_(3768971_?)dup

Genes: ACTRT2 (actin related protein T2; plus strand), ARHGEF16 (Rho guanine nucleotide exchange factor 16; plus strand), CALML6 (calmodulin like 6; plus strand), CCDC27 (coiled-coil domain containing 27; plus strand), CDK11A (cyclin dependent kinase 11A; minus strand) and 35 more. Cytogenetic location: 1p36.33-36.32.
Variant type: Duplication.
Identifiers: ClinVar variation 3247906 (VCV003247906.1).